The following is an entry in ClinVar:

ClinVar aggregate classification (germline): Uncertain significance. Review status: criteria provided, multiple submitters, no conflicts (2 of 4 stars). 2 submissions from 2 submitters: Uncertain significance (2). Last evaluated 2023-10-01.

Conditions:
Retinal dystrophy. Also called: Inherited retinal dystrophy. Identifiers: Orphanet 71862, MedGen C0854723, MeSH D058499, MONDO:0019118, HP:0000556.

Allele frequency attached by ClinVar (database versions not stated): ExAC 0.00001; gnomAD exomes 0.00001; TOPMed 0.00002; 1000 Genomes Project 30x 0.00031.
gnomAD v4.1: 24 of 1,614,214 alleles (0.0015%); highest among the groups gnomAD compares: East Asian, 0.011%; no homozygotes.

Submissions (2):

Dept Of Ophthalmology, Nagoya University
Classification: Uncertain significance for Retinal dystrophy. Last evaluated: 2023-10-01. Review status: criteria provided, single submitter. Criteria: Submitter's publication. Collection method: research. Allele origin: germline. Affected: yes.

Labcorp Genetics (formerly Invitae), Labcorp
Classification: Uncertain significance. Last evaluated: 2022-10-13. Review status: criteria provided, single submitter. Criteria: Invitae Variant Classification Sherloc (09022015). Collection method: clinical testing. Allele origin: germline.
Comment: In summary, the available evidence is currently insufficient to determine the role of this variant in disease. Therefore, it has been classified as a Variant of Uncertain Significance. Algorithms developed to predict the effect of missense changes on protein structure and function output the following: SIFT: "Tolerated"; PolyPhen-2: "Benign"; Align-GVGD: "Class C0". The glutamine amino acid residue is found in multiple mammalian species, which suggests that this missense change does not adversely affect protein function. This variant has not been reported in the literature in individuals affected with SLC7A14-related conditions. This variant is present in population databases (rs762443090, gnomAD 0.008%). This sequence change replaces arginine, which is basic and polar, with glutamine, which is neutral and polar, at codon 742 of the SLC7A14 protein (p.Arg742Gln).

NM_020949.3(SLC7A14):c.2225G>A (p.Arg742Gln)

Gene: SLC7A14 (solute carrier family 7 member 14; minus strand). Cytogenetic location: 3q26.2.
Variant type: single nucleotide variant.
Coding change: c.2225G>A on transcript NM_020949.3 (MANE Select); coding-DNA position 2225, G replaced by A.
Protein change: p.Arg742Gln; replaces arginine 742 with glutamine.
Molecular consequence: missense variant.
Genome position (GRCh38, 1-based): chr3:170,467,146, C>T on the plus strand (G>A on the coding strand, the complement: SLC7A14 is on the minus strand). VCF-style: chr3-170467146-C-T. GRCh37 (hg19) VCF-style: chr3-170184934-C-T.
Other names: short protein forms R742Q.
Identifiers: ClinVar variation 1948805 (VCV001948805.6), dbSNP rs762443090, ClinGen allele CA2701477.